The following is an entry in ClinVar:

ClinVar aggregate classification (germline): Uncertain significance (1 of 4 stars; one submission).

Allele frequency attached by ClinVar (database versions not stated): TOPMed below 0.00001.

Submission:

Labcorp Genetics (formerly Invitae), Labcorp
Classification: Uncertain significance. Last evaluated: 2024-01-25. Review status: criteria provided, single submitter. Criteria: Invitae Variant Classification Sherloc (09022015). Collection method: clinical testing. Allele origin: germline.
Comment: This sequence change replaces glutamic acid, which is acidic and polar, with aspartic acid, which is acidic and polar, at codon 22 of the ERBIN protein (p.Glu22Asp). This variant is not present in population databases (gnomAD no frequency). This variant has not been reported in the literature in individuals affected with ERBIN-related conditions. An algorithm developed to predict the effect of missense changes on protein structure and function (PolyPhen-2) suggests that this variant is likely to be disruptive. In summary, the available evidence is currently insufficient to determine the role of this variant in disease. Therefore, it has been classified as a Variant of Uncertain Significance.

NM_001253697.2(ERBIN):c.66G>C (p.Glu22Asp)

Gene: ERBIN (erbb2 interacting protein; plus strand). Cytogenetic location: 5q12.3.
Variant type: single nucleotide variant.
Coding change: c.66G>C on transcript NM_001253697.2 (MANE Select); coding-DNA position 66, G replaced by C.
Protein change: p.Glu22Asp; replaces glutamic acid 22 with aspartic acid.
Molecular consequence: missense variant.
Genome position (GRCh38, 1-based): chr5:65,992,784, G>C. VCF-style: chr5-65992784-G-C. GRCh37 (hg19) VCF-style: chr5-65288612-G-C.
Other names: c.66G>C, p.Glu22Asp (NM_001006600.3, NM_001253698.2, NM_001253699.2 and 2 more transcripts); short protein forms E22D.
Identifiers: ClinVar variation 2699594 (VCV002699594.3), dbSNP rs775884275, ClinGen allele CA359971803.